The following is an entry in ClinVar:

ClinVar aggregate classification (germline): Likely pathogenic (1 of 4 stars; one submission).

Conditions:
Familial thoracic aortic aneurysm and aortic dissection (TAAD). Also called: Thoracic aortic aneurysms and dissections. Identifiers: Orphanet 91387, MedGen C4707243, MONDO:0019625.

Submission:

Ambry Genetics
Classification: Likely pathogenic for Familial thoracic aortic aneurysm and aortic dissection. Last evaluated: 2019-02-27. Review status: criteria provided, single submitter. Criteria: Ambry Variant Classification Scheme 2023. Collection method: clinical testing. Allele origin: germline.
Comment: The p.C2274W variant (also known as c.6822C>G), located in coding exon 55 of the FBN1 gene, results from a C to G substitution at nucleotide position 6822. The cysteine at codon 2274 is replaced by tryptophan, an amino acid with highly dissimilar properties. This alteration has been reported in a subject with features of Marfan syndrome (Comeglio P et al. Hum. Mutat., 2007 Sep;28:928). Based on internal structural assessment, this alteration eliminates a structurally critical disulfide in the structurally sensitive cbEGF domain #35. The majority of FBN1 mutations identified to date have involved the substitution or generation of cysteine residues within cbEGF domains (Vollbrandt T et al. J Biol Chem. 2004;279(31):32924-32931). This amino acid position is highly conserved in available vertebrate species. In addition, this alteration is predicted to be deleterious by in silico analysis. Based on the majority of available evidence to date, this variant is likely to be pathogenic.

Literature cited by the submitters: PubMed 17657824.

NM_000138.5(FBN1):c.6822C>G (p.Cys2274Trp)

Gene: FBN1 (fibrillin 1; minus strand). Cytogenetic location: 15q21.1.
Variant type: single nucleotide variant.
Coding change: c.6822C>G on transcript NM_000138.5 (MANE Select); coding-DNA position 6822, C replaced by G.
Protein change: p.Cys2274Trp; replaces cysteine 2274 with tryptophan.
Molecular consequence: missense variant.
Genome position (GRCh38, 1-based): chr15:48,430,720, G>C on the plus strand (C>G on the coding strand, the complement: FBN1 is on the minus strand). VCF-style: chr15-48430720-G-C. GRCh37 (hg19) VCF-style: chr15-48722917-G-C.
Other names: c.6822C>G, p.Cys2274Trp (NM_001406716.1); short protein forms C2274W.
Identifiers: ClinVar variation 1755644 (VCV001755644.2), dbSNP rs2505419982, ClinGen allele CA392332233.
Genomic context (GRCh38, chr15:48,430,720, plus strand): 5'-GATCCTCTTACCTACACAGCCTTCTCCATCAGGTCTCCGCTGATACCCGGGTCCACAGAT[G>C]CACATATATGTGCCAATGAGGTTCTTGCATTCCATTTGTTTTTCAGTACAGTCATGTTTT-3'
Protein context (NP_000129.3, residues 2264-2284): ECKNLIGTYM[Cys2274Trp]ICGPGYQRRP